The following is an entry in ClinVar:

ClinVar aggregate classification (germline): Uncertain significance. Review status: criteria provided, multiple submitters, no conflicts (2 of 4 stars). 2 submissions from 2 submitters: Uncertain significance (2). Last evaluated 2022-10-14.

Conditions:
Hereditary cancer-predisposing syndrome. Also called: Hereditary Cancer Syndrome; Tumor predisposition; Neoplastic Syndromes, Hereditary; Hereditary neoplastic syndrome. Identifiers: Orphanet 140162, MedGen C0027672, MeSH D009386, MONDO:0015356.

Allele frequency attached by ClinVar (database versions not stated): gnomAD exomes below 0.00001.

Submissions (2):

Ambry Genetics
Classification: Uncertain significance for Hereditary cancer-predisposing syndrome. Last evaluated: 2022-10-14. Review status: criteria provided, single submitter. Criteria: Ambry Variant Classification Scheme 2023. Collection method: clinical testing. Allele origin: germline.
Comment: The p.P29S variant (also known as c.85C>T), located in coding exon 1 of the NTHL1 gene, results from a C to T substitution at nucleotide position 85. The proline at codon 29 is replaced by serine, an amino acid with similar properties. This amino acid position is poorly conserved in available vertebrate species, and serine is the reference amino acid in other vertebrate species. In addition, this alteration is predicted to be tolerated by in silico analysis. Since supporting evidence is limited at this time, the clinical significance of this alteration remains unclear.

Labcorp Genetics (formerly Invitae), Labcorp
Classification: Uncertain significance. Last evaluated: 2020-02-15. Review status: criteria provided, single submitter. Criteria: Invitae Variant Classification Sherloc (09022015). Collection method: clinical testing. Allele origin: germline.
Comment: In summary, the available evidence is currently insufficient to determine the role of this variant in disease. Therefore, it has been classified as a Variant of Uncertain Significance. Algorithms developed to predict the effect of missense changes on protein structure and function output the following: SIFT: "Not Available"; PolyPhen-2: "Benign"; Align-GVGD: "Not Available". The serine amino acid residue is found in multiple mammalian species, suggesting that this missense change does not adversely affect protein function. These predictions have not been confirmed by published functional studies and their clinical significance is uncertain. This variant has not been reported in the literature in individuals with NTHL1-related conditions. This variant is not present in population databases (ExAC no frequency). This sequence change replaces proline with serine at codon 29 of the NTHL1 protein (p.Pro29Ser). The proline residue is weakly conserved and there is a moderate physicochemical difference between proline and serine.

NM_002528.7(NTHL1):c.61C>T (p.Pro21Ser)

Gene: NTHL1 (nth like DNA glycosylase 1; minus strand). Cytogenetic location: 16p13.3.
Variant type: single nucleotide variant.
Coding change: c.61C>T on transcript NM_002528.7 (MANE Select); coding-DNA position 61, C replaced by T.
Protein change: p.Pro21Ser; replaces proline 21 with serine.
Molecular consequence: missense variant. On other transcripts: 5 prime UTR variant (1).
Genome position (GRCh38, 1-based): chr16:2,047,763, G>A on the plus strand (C>T on the coding strand, the complement: NTHL1 is on the minus strand). VCF-style: chr16-2047763-G-A. GRCh37 (hg19) VCF-style: chr16-2097764-G-A.
Other names: c.61C>T, p.Pro21Ser (NM_001318193.2); c.-118C>T (NM_001318194.2); short protein forms P21S.
Identifiers: ClinVar variation 1014591 (VCV001014591.9), dbSNP rs2084522305, ClinGen allele CA394298443.